The following is an entry in ClinVar:

ClinVar aggregate classification (germline): Pathogenic (1 of 4 stars; one submission).

Conditions:
Hereditary hemochromatosis (HFE). Identifiers: MedGen C0392514, MONDO:0006507. Disease mechanism: loss of function.

Submission:

Labcorp Genetics (formerly Invitae), Labcorp
Classification: Pathogenic for Hereditary hemochromatosis. Last evaluated: 2021-04-16. Review status: criteria provided, single submitter. Criteria: Invitae Variant Classification Sherloc (09022015). Collection method: clinical testing. Allele origin: germline.
Comment: This variant has not been reported in the literature in individuals with HFE-related conditions. For these reasons, this variant has been classified as Pathogenic. This variant is not present in population databases (ExAC no frequency). This sequence change creates a premature translational stop signal (p.Leu209Trpfs*2) in the HFE gene. It is expected to result in an absent or disrupted protein product. Loss-of-function variants in HFE are known to be pathogenic (PMID: 27518069).

Literature cited by the submitters: PubMed 27518069.

NM_000410.4(HFE):c.626del (p.Leu209fs)

Gene: HFE (homeostatic iron regulator; plus strand). Cytogenetic location: 6p22.2.
Variant type: Deletion.
Coding change: c.626del on transcript NM_000410.4 (MANE Select); coding-DNA position 626, one base deleted (T; older notation c.626delT).
Protein change: p.Leu209fs; shifts the reading frame from leucine 209.
Molecular consequence: frameshift variant. On other transcripts: intron variant (4).
Genome position (GRCh38, 1-based): chr6:26,092,694, T deleted; the last of 3 consecutive T bases (chr6:26,092,692-26,092,694); deleting any one gives the same sequence. VCF-style (leftmost placement, unchanged base first): chr6-26092691-CT-C. GRCh37 (hg19) VCF-style: chr6-26092919-CT-C.
Other names: c.626delT, p.Leu209Trpfs (NM_001300749.3); c.626del, p.Leu209fs (NM_001384164.1); c.362delT, p.Leu121Trpfs (NM_001406752.1); c.350del, p.Leu117fs (NM_139004.3); c.362del, p.Leu121fs (NM_139007.3); c.557del, p.Leu186fs (NM_139009.3); c.86del, p.Leu29fs (NM_139010.3); c.617-33del (NM_139006.3); and 3 more; short protein forms L117fs, L121fs, L209fs, L29fs, L186fs.
Identifiers: ClinVar variation 1456030 (VCV001456030.8), dbSNP rs1762806344, ClinGen allele CA1616889860.